The following is an entry in ClinVar:

NM_001134407.3(GRIN2A):c.3854G>A (p.Arg1285Lys)

Gene: GRIN2A (glutamate ionotropic receptor NMDA type subunit 2A; minus strand). Cytogenetic location: 16p13.2.
Variant type: single nucleotide variant.
Coding change: c.3854G>A on transcript NM_001134407.3 (MANE Select); coding-DNA position 3854, G replaced by A.
Protein change: p.Arg1285Lys; replaces arginine 1285 with lysine.
Molecular consequence: missense variant. On other transcripts: intron variant (1).
Genome position (GRCh38, 1-based): chr16:9,763,690, C>T on the plus strand (G>A on the coding strand, the complement: GRIN2A is on the minus strand). VCF-style: chr16-9763690-C-T. GRCh37 (hg19) VCF-style: chr16-9857547-C-T.
Other names: c.3854G>A, p.Arg1285Lys (NM_000833.5); c.3772+82G>A (NM_001134408.2); short protein forms R1285K.
Identifiers: ClinVar variation 98461 (VCV000098461.53), dbSNP rs367543132, ClinGen allele CA225873.

ClinVar aggregate classification (germline): Conflicting classifications of pathogenicity. Review status: criteria provided, conflicting classifications (1 of 4 stars). 4 submissions from 4 submitters: Uncertain significance (1); Likely benign (2). 1 of the submissions does not count toward it. Last evaluated 2026-04-01.

Conditions:
Landau-Kleffner syndrome (FESD). Also called: APHASIA, ACQUIRED, WITH EPILEPSY; EPILEPSY, FOCAL, WITH SPEECH DISORDER AND WITH OR WITHOUT MENTAL RETARDATION. Identifiers: Orphanet 1945, Orphanet 725, Orphanet 98818, MedGen C0282512, MONDO:0009509, OMIM 245570.

Allele frequency attached by ClinVar (database versions not stated): TOPMed 0.00002; gnomAD 0.00003.
gnomAD v4.1: 35 of 1,613,858 alleles (0.0022%); highest among the groups gnomAD compares: Middle Eastern, 0.033%; no homozygotes.

Submissions (4):

CeGaT Center for Human Genetics Tuebingen
Classification: Likely benign. Last evaluated: 2026-04-01. Review status: criteria provided, single submitter. Criteria: CeGaT Center For Human Genetics Tuebingen Variant Classification Criteria Version 2. Collection method: clinical testing. Allele origin: germline. Affected: yes. Observed: 4 variant alleles.
Comment: GRIN2A: BP4

Labcorp Genetics (formerly Invitae), Labcorp
Classification: Likely benign for Landau-Kleffner syndrome. Last evaluated: 2024-03-15. Review status: criteria provided, single submitter. Criteria: Invitae Variant Classification Sherloc (09022015). Collection method: clinical testing. Allele origin: germline.

Revvity Omics, Revvity
Classification: Uncertain significance for Landau-Kleffner syndrome. Last evaluated: 2021-01-23. Review status: criteria provided, single submitter. Criteria: ACMG Guidelines, 2015. Collection method: clinical testing. Allele origin: germline.

Psychiatry Genetics Yale University
No classification provided. Review status: no classification provided. Collection method: not provided. Allele origin: not provided. Not counted in ClinVar's aggregate classification.